The following is an entry in ClinVar:

NM_001349338.3(FOXP1):c.1956_1958del (p.Thr654del)

Gene: FOXP1 (forkhead box P1; minus strand). Cytogenetic location: 3p13.
Variant type: Deletion.
Coding change: c.1956_1958del on transcript NM_001349338.3 (MANE Select); coding-DNA positions 1956 to 1958, 3 bases deleted (GAC; older notation c.1956_1958delGAC).
Protein change: p.Thr654del; deletes threonine 654.
Molecular consequence: inframe deletion. On other transcripts: non-coding transcript variant (2).
Genome position (GRCh38, 1-based): chr3:70,959,323-70,959,325, GTC deleted on the plus strand (GAC on the coding strand, the reverse complement: FOXP1 is on the minus strand). VCF-style (leftmost placement, unchanged base first): chr3-70959322-TGTC-T. GRCh37 (hg19) VCF-style: chr3-71008473-TGTC-T.
Other names: c.1953_1955del, p.Thr653del (NM_001244808.3, NM_001349341.3); c.2004_2006del, p.Thr670del (NM_001244810.2); c.1728_1730del, p.Thr578del (NM_001244812.3); c.1656_1658del, p.Thr554del (NM_001244813.3, NM_001244815.2, NM_001349342.3); c.1956_1958del, p.Thr654del (NM_001244814.3, NM_001244816.2, NM_001349340.3 and 1 more transcripts); c.1653_1655del, p.Thr553del (NM_001349337.2, NM_001349343.3, NM_001349344.3 and 1 more transcripts); short protein forms T553del, T554del, T578del, T653del, T654del, T670del.
Identifiers: ClinVar variation 2580472 (VCV002580472.1), dbSNP rs2544831308, ClinGen allele CA2580618206.

ClinVar aggregate classification (germline): Uncertain significance (1 of 4 stars; one submission).

Submission:

GeneDx
Classification: Uncertain significance. Last evaluated: 2023-03-22. Review status: criteria provided, single submitter. Criteria: GeneDx Variant Classification Process June 2021. Collection method: clinical testing. Allele origin: germline. Affected: yes.
Comment: Not observed at significant frequency in large population cohorts (gnomAD); In-frame deletion of 1 amino acid in a non-repeat region; In silico analysis supports a deleterious effect on protein structure/function; Has not been previously published as pathogenic or benign to our knowledge